The following is an entry in ClinVar:

NM_007272.3(CTRC):c.614G>A (p.Gly205Asp)

Gene: CTRC (chymotrypsin C; plus strand). Cytogenetic location: 1p36.21.
Variant type: single nucleotide variant.
Coding change: c.614G>A on transcript NM_007272.3 (MANE Select); coding-DNA position 614, G replaced by A.
Protein change: p.Gly205Asp; replaces glycine 205 with aspartic acid.
Molecular consequence: missense variant.
Genome position (GRCh38, 1-based): chr1:15,444,726, G>A. VCF-style: chr1-15444726-G-A. GRCh37 (hg19) VCF-style: chr1-15771221-G-A.
Other names: short protein forms G205D.
Identifiers: ClinVar variation 1751876 (VCV001751876.6), dbSNP rs1207286243, ClinGen allele CA338567488.

ClinVar aggregate classification (germline): Uncertain significance. Review status: criteria provided, multiple submitters, no conflicts (2 of 4 stars). 2 submissions from 2 submitters: Uncertain significance (2). Last evaluated 2024-10-12.

Conditions:
Hereditary pancreatitis (PCTT). Also called: Hereditary chronic pancreatitis; PRSS1-Related Hereditary Pancreatitis. Identifiers: Orphanet 676, MedGen C0238339, MONDO:0008185, OMIM 167800.

Allele frequency attached by ClinVar (database versions not stated): gnomAD exomes below 0.00001.
gnomAD v4.1: 8 of 1,614,230 alleles (0.0005%); highest among the groups gnomAD compares: Non-Finnish European, 0.00059%; no homozygotes.

Submissions (2):

Ambry Genetics
Classification: Uncertain significance for Hereditary pancreatitis. Last evaluated: 2024-10-12. Review status: criteria provided, single submitter. Criteria: Ambry Variant Classification Scheme 2023. Collection method: clinical testing. Allele origin: germline.
Comment: The p.G205D variant (also known as c.614G>A), located in coding exon 6 of the CTRC gene, results from a G to A substitution at nucleotide position 614. The glycine at codon 205 is replaced by aspartic acid, an amino acid with similar properties. This variant was not reported in population based cohorts in the following databases: Database of Single Nucleotide Polymorphisms (dbSNP), NHLBI Exome Sequencing Project (ESP), and 1000 Genomes Project. In the ESP, this variant was not observed in 6503 samples (13006 alleles) with coverage at this position. This amino acid position is highly conserved in available vertebrate species. In addition, this alteration is predicted to be deleterious by in silico analysis. Since supporting evidence is limited at this time, the clinical significance of this variant remains unclear.

Labcorp Genetics (formerly Invitae), Labcorp
Classification: Uncertain significance for Hereditary pancreatitis. Last evaluated: 2023-08-10. Review status: criteria provided, single submitter. Criteria: Invitae Variant Classification Sherloc (09022015). Collection method: clinical testing. Allele origin: germline.
Comment: In summary, the available evidence is currently insufficient to determine the role of this variant in disease. Therefore, it has been classified as a Variant of Uncertain Significance. This sequence change replaces glycine, which is neutral and non-polar, with aspartic acid, which is acidic and polar, at codon 205 of the CTRC protein (p.Gly205Asp). This variant is present in population databases (no rsID available, gnomAD 0.002%). This variant has not been reported in the literature in individuals affected with CTRC-related conditions. ClinVar contains an entry for this variant (Variation ID: 1751876). Advanced modeling of protein sequence and biophysical properties (such as structural, functional, and spatial information, amino acid conservation, physicochemical variation, residue mobility, and thermodynamic stability) performed at Invitae indicates that this missense variant is not expected to disrupt CTRC protein function.